The following is an entry in ClinVar:

ClinVar aggregate classification (germline): Uncertain significance (1 of 4 stars; one submission).

Submission:

GeneDx
Classification: Uncertain significance. Last evaluated: 2024-02-28. Review status: criteria provided, single submitter. Criteria: GeneDx Variant Classification Process June 2021. Collection method: clinical testing. Allele origin: germline. Affected: yes.
Comment: Not observed at significant frequency in large population cohorts (gnomAD); In silico analysis supports that this missense variant does not alter protein structure/function; Has not been previously published as pathogenic or benign to our knowledge

NM_001312909.2(FAM111A):c.412A>G (p.Ile138Val)

Gene: FAM111A (FAM111 trypsin like peptidase A; plus strand). Cytogenetic location: 11q12.1.
Variant type: single nucleotide variant.
Coding change: c.412A>G on transcript NM_001312909.2 (MANE Select); coding-DNA position 412, A replaced by G.
Protein change: p.Ile138Val; replaces isoleucine 138 with valine.
Molecular consequence: missense variant.
Genome position (GRCh38, 1-based): chr11:59,152,080, A>G. VCF-style: chr11-59152080-A-G. GRCh37 (hg19) VCF-style: chr11-58919553-A-G.
Other names: c.412A>G, p.Ile138Val (NM_001142519.3, NM_001142520.3, NM_001142521.3 and 29 more transcripts); short protein forms I138V.
Identifiers: ClinVar variation 3369852 (VCV003369852.1).
Genomic context (GRCh38, chr11:59,152,080, plus strand): 5'-ATAGAAACTCACCAAGGCCAAGAAATGCTTGTGCGTGGCACAGAAGGAATCAAAGAGTAC[A>G]TAAACCTTGGAATGCCCCTCAGTTGTTTCCCTGAAGGTGGCCAGGTGGTCATTACATTTT-3'
Protein context (NP_001299838.1, residues 128-148): VRGTEGIKEY[Ile138Val]NLGMPLSCFP